The following is an entry in ClinVar:

ClinVar aggregate classification (germline): Uncertain significance (0 of 4 stars; one submission).

Conditions:
Breast ductal adenocarcinoma. Also called: Ductal breast carcinoma; Breast cancer, invasive ductal. Identifiers: MedGen C1527349, MONDO:0005590.

Submission:

Next Generation Diagnostics, Novartis Institutes for BioMedical Research, Inc.
Classification: Uncertain significance for Breast ductal adenocarcinoma. Last evaluated: 2015-07-20. Review status: no assertion criteria provided. Collection method: research. Allele origin: somatic. Affected: yes.
Comment: Loss of heterozygosity

chr12:10074776-18800953 complex variant

Genes: APOLD1 (apolipoprotein L domain containing 1; plus strand), ARHGDIB (Rho GDP dissociation inhibitor beta; minus strand), ART4 (ADP-ribosyltransferase 4 (inactive) (Dombrock blood group); minus strand), ATF7IP (activating transcription factor 7 interacting protein; plus strand), BCL2L14 (BCL2 like 14; plus strand) and 76 more. Cytogenetic location: 12p13.31-12.3.
Variant type: Complex.
Identifiers: ClinVar variation 221369 (VCV000221369.2).